The following is an entry in ClinVar:

ClinVar aggregate classification (germline): Likely benign (1 of 4 stars; one submission).

Conditions:
DNMT1-related disorder. Also called: DNMT1-related condition. Identifiers: MedGen CN381527.

Submission:

PreventionGenetics, part of Exact Sciences
Classification: Likely benign for DNMT1-related condition. Last evaluated: 2025-05-09. Review status: criteria provided, single submitter. Criteria: ACMG Guidelines, 2015. Collection method: clinical testing. Allele origin: germline.
Comment: This variant is classified as likely benign based on ACMG/AMP sequence variant interpretation guidelines (Richards et al. 2015 PMID: 25741868, with internal and published modifications).

NM_001130823.3(DNMT1):c.493+10del

Gene: DNMT1 (DNA methyltransferase 1; minus strand). Cytogenetic location: 19p13.2.
Variant type: Deletion.
Coding change: c.493+10del on transcript NM_001130823.3 (MANE Select); 10 bases into the intron after coding-DNA position 493, one base deleted (A; older notation c.493+10delA).
Molecular consequence: intron variant.
Genome position (GRCh38, 1-based): chr19:10,180,177, T deleted on the plus strand (A on the coding strand, the reverse complement: DNMT1 is on the minus strand). VCF-style (leftmost placement, unchanged base first): chr19-10180176-GT-G. GRCh37 (hg19) VCF-style: chr19-10290852-GT-G.
Other names: c.130+10del (NM_001318731.2); c.445+173del (NM_001379.4, NM_001318730.2).
Identifiers: ClinVar variation 4981997 (VCV004981997.1).